The following is an entry in ClinVar:

ClinVar aggregate classification (germline): Conflicting classifications of pathogenicity. Review status: criteria provided, conflicting classifications (1 of 4 stars). 2 submissions from 2 submitters: Uncertain significance (1); Likely benign (1). Last evaluated 2024-04-04.

Conditions:
X-linked intellectual disability, Cantagrel type (XLID98). Also called: INTELLECTUAL DEVELOPMENTAL DISORDER, X-LINKED 98. Identifiers: Orphanet 85277, MedGen C3806730, MONDO:0010483, OMIM 300912.

Submissions (2):

Genomic Medicine Center of Excellence, King Faisal Specialist Hospital and Research Centre
Classification: Likely benign for X-linked intellectual disability, Cantagrel type. Last evaluated: 2024-04-04. Review status: criteria provided, single submitter. Criteria: ACMG Guidelines, 2015. Collection method: clinical testing. Allele origin: germline.

Labcorp Genetics (formerly Invitae), Labcorp
Classification: Uncertain significance. Last evaluated: 2020-01-30. Review status: criteria provided, single submitter. Criteria: Invitae Variant Classification Sherloc (09022015). Collection method: clinical testing. Allele origin: germline.
Comment: In summary, the available evidence is currently insufficient to determine the role of this variant in disease. Therefore, it has been classified as a Variant of Uncertain Significance. Algorithms developed to predict the effect of missense changes on protein structure and function are either unavailable or do not agree on the potential impact of this missense change (SIFT: "Deleterious"; PolyPhen-2: "Probably Damaging"; Align-GVGD: "Class C0"). This variant has not been reported in the literature in individuals with NEXMIF-related conditions. This variant is not present in population databases (ExAC no frequency). This sequence change replaces aspartic acid with histidine at codon 1143 of the NEXMIF protein (p.Asp1143His). The aspartic acid residue is highly conserved and there is a moderate physicochemical difference between aspartic acid and histidine.

NM_001008537.3(NEXMIF):c.3427G>C (p.Asp1143His)

Gene: NEXMIF (neurite extension and migration factor; minus strand). Cytogenetic location: Xq13.3.
Variant type: single nucleotide variant.
Coding change: c.3427G>C on transcript NM_001008537.3 (MANE Select); coding-DNA position 3427, G replaced by C.
Protein change: p.Asp1143His; replaces aspartic acid 1143 with histidine.
Molecular consequence: missense variant.
Genome position (GRCh38, 1-based): chrX:74,741,130, C>G on the plus strand (G>C on the coding strand, the complement: NEXMIF is on the minus strand). VCF-style: chrX-74741130-C-G. GRCh37 (hg19) VCF-style: chrX-73960965-C-G.
Other names: short protein forms D1143H.
Identifiers: ClinVar variation 1025929 (VCV001025929.9), dbSNP rs267606510, ClinGen allele CA413665968.